The following is an entry in ClinVar:

ClinVar aggregate classification (germline): Uncertain significance (1 of 4 stars; one submission).

Conditions:
Cardiomyopathy (CMYO). Also called: Cardiomyopathies. Identifiers: Orphanet 167848, MedGen C0878544, MONDO:0004994, HP:0001638. Inheritance: Various modes of inheritance.

gnomAD v4.1: 3 of 1,614,100 alleles (0.00019%); highest among the groups gnomAD compares: Non-Finnish European, 0.00025%; no homozygotes.

Submission:

Color Diagnostics, LLC DBA Color Health
Classification: Uncertain significance for Cardiomyopathy. Last evaluated: 2025-06-18. Review status: criteria provided, single submitter. Criteria: ACMG Guidelines, 2015. Collection method: clinical testing. Allele origin: germline.
Comment: This missense variant replaces isoleucine with valine at codon 273 of the PRKAG2 protein. Computational prediction suggests that this variant may not impact protein structure and function. To our knowledge, functional studies have not been reported for this variant. This variant has been reported in an individual affected with hypertrophic cardiomyopathy (PMID: 33495597). This variant has been identified in 1/251404 chromosomes in the general population by the Genome Aggregation Database (gnomAD). The available evidence is insufficient to determine the role of this variant in disease conclusively. Therefore, this variant is classified as a Variant of Uncertain Significance.

Literature cited by the submitters: PubMed 33495597.

NM_016203.4(PRKAG2):c.817A>G (p.Ile273Val)

Gene: PRKAG2 (protein kinase AMP-activated non-catalytic subunit gamma 2; minus strand). Cytogenetic location: 7q36.1.
Variant type: single nucleotide variant.
Coding change: c.817A>G on transcript NM_016203.4 (MANE Select); coding-DNA position 817, A replaced by G.
Protein change: p.Ile273Val; replaces isoleucine 273 with valine.
Molecular consequence: missense variant.
Genome position (GRCh38, 1-based): chr7:151,595,392, T>C on the plus strand (A>G on the coding strand, the complement: PRKAG2 is on the minus strand). VCF-style: chr7-151595392-T-C. GRCh37 (hg19) VCF-style: chr7-151292478-T-C.
Other names: c.685A>G, p.Ile229Val (NM_001040633.2, NM_001407024.1); c.442A>G, p.Ile148Val (NM_001304527.2, NM_001407029.1); c.94A>G, p.Ile32Val (NM_001304531.2, NM_024429.2, NM_001407034.1 and 1 more transcripts); c.445A>G, p.Ile149Val (NM_001363698.2, NM_001407028.1); c.817A>G, p.Ile273Val (NM_001407021.1); c.814A>G, p.Ile272Val (NM_001407022.1, NM_001407023.1); c.682A>G, p.Ile228Val (NM_001407026.1, NM_001407027.1); c.91A>G, p.Ile31Val (NM_001407039.1, NM_001407040.1, NM_001407036.1); and 6 more; short protein forms I148V, I149V, I165V, I167V, I176V, I177V, I228V, I229V.
Identifiers: ClinVar variation 4757088 (VCV004757088.1).